The following is an entry in ClinVar:

NM_022765.4(MICAL1):c.1001C>T (p.Thr334Ile)

Gene: MICAL1 (microtubule associated monooxygenase, calponin and LIM domain containing 1; minus strand). Cytogenetic location: 6q21.
Variant type: single nucleotide variant.
Coding change: c.1001C>T on transcript NM_022765.4 (MANE Select); coding-DNA position 1001, C replaced by T.
Protein change: p.Thr334Ile; replaces threonine 334 with isoleucine.
Molecular consequence: missense variant. On other transcripts: intron variant (1).
Genome position (GRCh38, 1-based): chr6:109,450,490, G>A on the plus strand (C>T on the coding strand, the complement: MICAL1 is on the minus strand). VCF-style: chr6-109450490-G-A. GRCh37 (hg19) VCF-style: chr6-109771693-G-A.
Other names: c.1058C>T, p.Thr353Ile (NM_001286613.2); c.934-405C>T (NM_001159291.2); short protein forms T334I, T353I.
Identifiers: ClinVar variation 4761111 (VCV004761111.1).

ClinVar aggregate classification (germline): Uncertain significance (1 of 4 stars; one submission).

Submission:

Labcorp Genetics (formerly Invitae), Labcorp
Classification: Uncertain significance. Last evaluated: 2025-07-21. Review status: criteria provided, single submitter. Criteria: Invitae Variant Classification Sherloc (09022015). Collection method: clinical testing. Allele origin: germline.
Comment: This sequence change replaces threonine, which is neutral and polar, with isoleucine, which is neutral and non-polar, at codon 353 of the MICAL1 protein (p.Thr353Ile). This variant is not present in population databases (gnomAD no frequency). This variant has not been reported in the literature in individuals affected with MICAL1-related conditions. An algorithm developed to predict the effect of missense changes on protein structure and function (PolyPhen-2) suggests that this variant is likely to be tolerated. In summary, the available evidence is currently insufficient to determine the role of this variant in disease. Therefore, it has been classified as a Variant of Uncertain Significance.